The following is an entry in ClinVar:

ClinVar aggregate classification (germline): Uncertain significance (1 of 4 stars; one submission).

Conditions:
Glycogen storage disease, type IV (GSD4). Also called: AMYLOPECTINOSIS; ANDERSEN DISEASE; Glycogen storage disease due to glycogen branching enzyme deficiency; BRANCHER DEFICIENCY; CIRRHOSIS, FAMILIAL, WITH DEPOSITION OF ABNORMAL GLYCOGEN; GBE1 DEFICIENCY. Identifiers: Orphanet 367, MedGen C0017923, MONDO:0009292, OMIM 232500.
Glycogen storage disease IV, classic hepatic. Also called: GSD IV, CLASSIC HEPATIC. Identifiers: MedGen C1856301.

Allele frequency attached by ClinVar (database versions not stated): TOPMed 0.00001.

Submission:

Labcorp Genetics (formerly Invitae), Labcorp
Classification: Uncertain significance for Glycogen storage disease, type IV; Glycogen storage disease IV, classic hepatic. Last evaluated: 2021-08-27. Review status: criteria provided, single submitter. Criteria: Invitae Variant Classification Sherloc (09022015). Collection method: clinical testing. Allele origin: germline.
Comment: This sequence change replaces methionine with leucine at codon 539 of the GBE1 protein (p.Met539Leu). The methionine residue is moderately conserved and there is a small physicochemical difference between methionine and leucine. This variant is not present in population databases (ExAC no frequency). This variant has not been reported in the literature in individuals affected with GBE1-related conditions. Algorithms developed to predict the effect of missense changes on protein structure and function (SIFT, PolyPhen-2, Align-GVGD) all suggest that this variant is likely to be tolerated. In summary, the available evidence is currently insufficient to determine the role of this variant in disease. Therefore, it has been classified as a Variant of Uncertain Significance.

NM_000158.4(GBE1):c.1615A>T (p.Met539Leu)

Gene: GBE1 (1,4-alpha-glucan branching enzyme 1; minus strand). Cytogenetic location: 3p12.2.
Variant type: single nucleotide variant.
Coding change: c.1615A>T on transcript NM_000158.4 (MANE Select); coding-DNA position 1615, A replaced by T.
Protein change: p.Met539Leu; replaces methionine 539 with leucine.
Molecular consequence: missense variant.
Genome position (GRCh38, 1-based): chr3:81,577,928, T>A on the plus strand (A>T on the coding strand, the complement: GBE1 is on the minus strand). VCF-style: chr3-81577928-T-A. GRCh37 (hg19) VCF-style: chr3-81627079-T-A.
Other names: short protein forms M539L.
Identifiers: ClinVar variation 2077765 (VCV002077765.1), dbSNP rs1703670363, ClinGen allele CA353684562.